The following is an entry in ClinVar:

ClinVar aggregate classification (germline): Uncertain significance (1 of 4 stars; one submission).

Allele frequency attached by ClinVar (database versions not stated): gnomAD 0.00002; gnomAD exomes 0.00002; TOPMed 0.00004; ESP Exome Variant Server 0.00008; ExAC 0.00009.
gnomAD v4.1: 26 of 1,613,790 alleles (0.0016%); highest among the groups gnomAD compares: Non-Finnish European, 0.0021%; no homozygotes.

Submission:

Labcorp Genetics (formerly Invitae), Labcorp
Classification: Uncertain significance. Last evaluated: 2022-12-27. Review status: criteria provided, single submitter. Criteria: Invitae Variant Classification Sherloc (09022015). Collection method: clinical testing. Allele origin: germline.
Comment: In summary, the available evidence is currently insufficient to determine the role of this variant in disease. Therefore, it has been classified as a Variant of Uncertain Significance. Algorithms developed to predict the effect of missense changes on protein structure and function are either unavailable or do not agree on the potential impact of this missense change (SIFT: "Deleterious"; PolyPhen-2: "Benign"; Align-GVGD: "Class C0"). This variant has not been reported in the literature in individuals affected with DSCAML1-related conditions. This variant is present in population databases (rs141710584, gnomAD 0.008%). This sequence change replaces glycine, which is neutral and non-polar, with serine, which is neutral and polar, at codon 1942 of the DSCAML1 protein (p.Gly1942Ser).

NM_020693.4(DSCAML1):c.5644G>A (p.Gly1882Ser)

Gene: DSCAML1 (DS cell adhesion molecule like 1; minus strand). Cytogenetic location: 11q23.3.
Variant type: single nucleotide variant.
Coding change: c.5644G>A on transcript NM_020693.4 (MANE Select); coding-DNA position 5644, G replaced by A.
Protein change: p.Gly1882Ser; replaces glycine 1882 with serine.
Molecular consequence: missense variant.
Genome position (GRCh38, 1-based): chr11:117,430,764, C>T on the plus strand (G>A on the coding strand, the complement: DSCAML1 is on the minus strand). VCF-style: chr11-117430764-C-T. GRCh37 (hg19) VCF-style: chr11-117301480-C-T.
Other names: short protein forms G1882S.
Identifiers: ClinVar variation 2898476 (VCV002898476.3), dbSNP rs141710584, ClinGen allele CA6296023.